The following is an entry in ClinVar:

NM_006662.3(SRCAP):c.4596A>C (p.Ser1532=)

Gene: SRCAP (Snf2 related CREBBP activator protein; plus strand). Cytogenetic location: 16p11.2.
Variant type: single nucleotide variant.
Coding change: c.4596A>C on transcript NM_006662.3 (MANE Select); coding-DNA position 4596, A replaced by C.
Protein change: p.Ser1532=; no amino-acid change (serine 1532 retained).
Molecular consequence: synonymous variant.
Genome position (GRCh38, 1-based): chr16:30,724,020, A>C. VCF-style: chr16-30724020-A-C. GRCh37 (hg19) VCF-style: chr16-30735341-A-C.
Identifiers: ClinVar variation 711163 (VCV000711163.16), dbSNP rs114204931, ClinGen allele CA8011778.

ClinVar aggregate classification (germline): Benign/Likely benign. Review status: criteria provided, multiple submitters, no conflicts (2 of 4 stars). 4 submissions from 4 submitters: Benign (1); Likely benign (3). Last evaluated 2026-05-13.

Conditions:
Floating-Harbor syndrome (FLHS). Also called: Short stature with delayed bone age, expressive language delay, a triangular face with a prominent nose and deep-set eyes; Pelletier-Leisti syndrome; SRCAP-Related Floating-Harbor Syndrome. Identifiers: Orphanet 2044, MedGen C0729582, MONDO:0007621, OMIM 136140.
Developmental delay, hypotonia, musculoskeletal defects, and behavioral abnormalities. Identifiers: MedGen C5562012, MONDO:0859202, OMIM 619595.

Allele frequency attached by ClinVar (database versions not stated): gnomAD exomes 0.00035 and 0.00073; ExAC 0.00089; ESP Exome Variant Server 0.00292; gnomAD 0.00313 and 0.00331; TOPMed 0.00338; 1000 Genomes Project 0.00359; 1000 Genomes Project 30x 0.00406.
gnomAD v4.1: 999 of 1,613,728 alleles (0.062%); highest among the groups gnomAD compares: African/African-American, 1.2%; 4 homozygotes.

Submissions (4):

Women's Health and Genetics/Laboratory Corporation of America, LabCorp
Classification: Likely benign. Last evaluated: 2026-05-13. Review status: criteria provided, single submitter. Criteria: LabCorp Variant Classification Summary - May 2015. Collection method: clinical testing. Allele origin: germline.

CeGaT Center for Human Genetics Tuebingen
Classification: Likely benign. Last evaluated: 2026-03-01. Review status: criteria provided, single submitter. Criteria: CeGaT Center For Human Genetics Tuebingen Variant Classification Criteria Version 2. Collection method: clinical testing. Allele origin: germline. Affected: yes. Observed: 1 variant allele.
Comment: SRCAP: BP4, BP7, BS1

Labcorp Genetics (formerly Invitae), Labcorp
Classification: Benign. Last evaluated: 2025-12-31. Review status: criteria provided, single submitter. Criteria: Invitae Variant Classification Sherloc (09022015). Collection method: clinical testing. Allele origin: germline.

Fulgent Genetics
Classification: Likely benign for Floating-Harbor syndrome; Developmental delay, hypotonia, musculoskeletal defects, and behavioral abnormalities. Last evaluated: 2021-08-20. Review status: criteria provided, single submitter. Criteria: ACMG Guidelines, 2015. Collection method: clinical testing. Allele origin: unknown.